The following is an entry in ClinVar:

ClinVar aggregate classification (germline): Pathogenic. Review status: criteria provided, multiple submitters, no conflicts (2 of 4 stars). 2 submissions from 2 submitters: Pathogenic (2). Last evaluated 2023-05-09.

Conditions:
Familial adenomatous polyposis 1 (FAP1). Also called: FAMILIAL ADENOMATOUS POLYPOSIS 1, ATTENUATED; POLYPOSIS, ADENOMATOUS INTESTINAL. Identifiers: MedGen C2713442, MONDO:0021056, OMIM 175100. Disease mechanism: loss of function.

Submissions (2):

Myriad Genetics, Inc.
Classification: Pathogenic for Familial adenomatous polyposis 1. Last evaluated: 2023-05-09. Review status: criteria provided, single submitter. Criteria: Myriad Autosomal Dominant, Autosomal Recessive and X-Linked Classification Criteria (2023). Collection method: clinical testing. Allele origin: unknown.
Comment: This variant is considered pathogenic. This variant creates a termination codon and is predicted to result in premature protein truncation.

Labcorp Genetics (formerly Invitae), Labcorp
Classification: Pathogenic for Familial adenomatous polyposis 1. Last evaluated: 2020-03-01. Review status: criteria provided, single submitter. Criteria: Invitae Variant Classification Sherloc (09022015). Collection method: clinical testing. Allele origin: germline.
Comment: This variant is not present in population databases (ExAC no frequency). This sequence change results in a premature translational stop signal in the APC gene (p.Gln1303*). While this is not anticipated to result in nonsense mediated decay, it is expected to disrupt the last 1541 amino acids of the APC protein. This variant has been observed in individual(s) with familial adenomatous polyposis (FAP) (PMID: 10669993, 20685668, 12007223). This variant is expected to disrupt the EB1 and HDLG binding sites, which mediate interactions with the cytoskeleton (PMID: 15311282, 17293347). While functional studies have not been performed to directly test the effect on APC protein function, this suggests that disruption of the C-terminal portion of the protein is functionally important. A different truncation (p.Tyr2645Lysfs*14) that lies downstream of this variant has been determined to be pathogenic (PMID: 9824584, 1316610, 27081525, 8381579, 22135120, Invitae). This suggests that deletion of this region of the APC protein is causative of disease. For these reasons, this variant has been classified as Pathogenic.

Literature cited by the submitters: PubMed 10669993 (cited by Labcorp Genetics (formerly Invitae), Labcorp); PubMed 20685668 (cited by Labcorp Genetics (formerly Invitae), Labcorp); PubMed 12007223 (cited by Labcorp Genetics (formerly Invitae), Labcorp); PubMed 15311282 (cited by Labcorp Genetics (formerly Invitae), Labcorp); PubMed 17293347 (cited by Labcorp Genetics (formerly Invitae), Labcorp); PubMed 9824584 (cited by Labcorp Genetics (formerly Invitae), Labcorp); PubMed 1316610 (cited by Labcorp Genetics (formerly Invitae), Labcorp); PubMed 27081525 (cited by Labcorp Genetics (formerly Invitae), Labcorp); PubMed 8381579 (cited by Labcorp Genetics (formerly Invitae), Labcorp); PubMed 22135120 (cited by Labcorp Genetics (formerly Invitae), Labcorp).

NM_000038.6(APC):c.3907C>T (p.Gln1303Ter)

Gene: APC (APC regulator of Wnt signaling pathway; plus strand). Cytogenetic location: 5q22.2.
Variant type: single nucleotide variant.
Coding change: c.3907C>T on transcript NM_000038.6 (MANE Select); coding-DNA position 3907, C replaced by T.
Protein change: p.Gln1303Ter; replaces glutamine 1303 with a stop codon.
Molecular consequence: nonsense.
Genome position (GRCh38, 1-based): chr5:112,839,501, C>T. VCF-style: chr5-112839501-C-T. GRCh37 (hg19) VCF-style: chr5-112175198-C-T.
Other names: c.3907C>T, p.Gln1303Ter (NM_001127510.3, NM_001354895.2); c.3853C>T, p.Gln1285Ter (NM_001127511.3); c.3961C>T, p.Gln1321Ter (NM_001354896.2); c.3937C>T, p.Gln1313Ter (NM_001354897.2); c.3832C>T, p.Gln1278Ter (NM_001354898.2); c.3823C>T, p.Gln1275Ter (NM_001354899.2); c.3784C>T, p.Gln1262Ter (NM_001354900.2); c.3730C>T, p.Gln1244Ter (NM_001354901.2); and 5 more; short protein forms Q1020*, Q1143*, Q1177*, Q1202*, Q1212*, Q1244*, Q1262*, Q1275*.
Identifiers: ClinVar variation 1076263 (VCV001076263.11), dbSNP rs2149901776, ClinGen allele CA16029905.
Genomic context (GRCh38, chr5:112,839,501, plus strand): 5'-GCTGAAGATGAAATAGGATGTAATCAGACGACACAGGAAGCAGATTCTGCTAATACCCTG[C>T]AAATAGCAGAAATAAAAGAAAAGATTGGAACTAGGTCAGCTGAAGATCCTGTGAGCGAAG-3'